The following is an entry in ClinVar:

NM_144999.4(LRRC45):c.283-2A>G

Gene: LRRC45 (leucine rich repeat containing 45; plus strand). Cytogenetic location: 17q25.3.
Variant type: single nucleotide variant.
Coding change: c.283-2A>G on transcript NM_144999.4 (MANE Select); the canonical splice acceptor site of the intron before coding-DNA position 283, A replaced by G.
Molecular consequence: splice acceptor variant.
Genome position (GRCh38, 1-based): chr17:82,024,691, A>G. VCF-style: chr17-82024691-A-G. GRCh37 (hg19) VCF-style: chr17-79982567-A-G.
Identifiers: ClinVar variation 4992222 (VCV004992222.1).

ClinVar aggregate classification (germline): Uncertain significance (1 of 4 stars; one submission).

Conditions:
LRRC45-related disorder. Also called: LRRC45-related condition.

gnomAD v4.1: 3 of 1,571,726 alleles (0.00019%); highest among the groups gnomAD compares: African/African-American, 0.0027%; no homozygotes.

Submission:

PreventionGenetics, part of Exact Sciences
Classification: Uncertain significance for LRRC45-related condition. Last evaluated: 2026-04-15. Review status: criteria provided, single submitter. Criteria: ACMG Guidelines, 2015. Collection method: clinical testing. Allele origin: germline.
Comment: The LRRC45 c.283-2A>G variant is predicted to disrupt the AG splice acceptor site and interfere with normal splicing. To our knowledge, this variant has not been reported in the literature. This variant is reported in 0.0041% of alleles in individuals of African descent in gnomAD. At this time, the clinical significance of this variant is uncertain due to the absence of conclusive functional and genetic evidence.